The following is an entry in ClinVar:

ClinVar aggregate classification (germline): Uncertain significance (1 of 4 stars; one submission).

gnomAD v4.1: 3 of 1,614,008 alleles (0.00019%); highest among the groups gnomAD compares: Non-Finnish European, 0.00025%; no homozygotes.

Submission:

GeneDx
Classification: Uncertain significance. Last evaluated: 2024-01-10. Review status: criteria provided, single submitter. Criteria: GeneDx Variant Classification Process June 2021. Collection method: clinical testing. Allele origin: germline. Affected: yes.
Comment: Not observed at significant frequency in large population cohorts (gnomAD); In silico analysis supports that this missense variant has a deleterious effect on protein structure/function; Has not been previously published as pathogenic or benign to our knowledge

NM_001134407.3(GRIN2A):c.3677G>A (p.Gly1226Asp)

Gene: GRIN2A (glutamate ionotropic receptor NMDA type subunit 2A; minus strand). Cytogenetic location: 16p13.2.
Variant type: single nucleotide variant.
Coding change: c.3677G>A on transcript NM_001134407.3 (MANE Select); coding-DNA position 3677, G replaced by A.
Protein change: p.Gly1226Asp; replaces glycine 1226 with aspartic acid.
Molecular consequence: missense variant.
Genome position (GRCh38, 1-based): chr16:9,763,867, C>T on the plus strand (G>A on the coding strand, the complement: GRIN2A is on the minus strand). VCF-style: chr16-9763867-C-T. GRCh37 (hg19) VCF-style: chr16-9857724-C-T.
Other names: c.3677G>A, p.Gly1226Asp (NM_000833.5, NM_001134408.2); short protein forms G1226D.
Identifiers: ClinVar variation 3367807 (VCV003367807.1).
Genomic context (GRCh38, chr16:9,763,867, plus strand): 5'-TAGAGGTTCCCCATCCGCAGGCAGGCATCGCACTTGAAGGGGGACCTCATGGTGAAGTGG[C>T]CTGAATAGGTGGGCATGTTGGAAAGGCAGCTTCTGCAGTGCGTGGAGTTCTGCCGGTATC-3'
Protein context (NP_001127879.1, residues 1216-1236): SCLSNMPTYS[Gly1226Asp]HFTMRSPFKC